The following is an entry in ClinVar:

ClinVar aggregate classification (germline): Uncertain significance (1 of 4 stars; one submission).

Conditions:
Immunodeficiency 35 (IMD35). Also called: HIES WITH ATYPICAL MYCOBACTERIOSIS, AUTOSOMAL RECESSIVE; HYPER-IgE SYNDROME WITH ATYPICAL MYCOBACTERIOSIS, AUTOSOMAL RECESSIVE; TYK2 DEFICIENCY; Susceptibility to infection due to TYK2 deficiency. Identifiers: Orphanet 331226, MedGen C1969086, MONDO:0012682, OMIM 611521.

gnomAD v4.1: 1 of 1,613,484 alleles (0.000062%); highest among the groups gnomAD compares: Non-Finnish European, 0.000085%; no homozygotes.

Submission:

Labcorp Genetics (formerly Invitae), Labcorp
Classification: Uncertain significance for Immunodeficiency 35. Last evaluated: 2026-01-12. Review status: criteria provided, single submitter. Criteria: Invitae Variant Classification Sherloc (09022015). Collection method: clinical testing. Allele origin: germline.
Comment: This sequence change replaces proline, which is neutral and non-polar, with serine, which is neutral and polar, at codon 290 of the TYK2 protein (p.Pro290Ser). This variant is not present in population databases (gnomAD no frequency). This variant has not been reported in the literature in individuals affected with TYK2-related conditions. An algorithm developed to predict the effect of missense changes on protein structure and function outputs the following: PolyPhen-2: "Benign". The serine amino acid residue is found in multiple mammalian species, which suggests that this missense change does not adversely affect protein function. In summary, the available evidence is currently insufficient to determine the role of this variant in disease. Therefore, it has been classified as a Variant of Uncertain Significance.

NM_003331.5(TYK2):c.868C>T (p.Pro290Ser)

Gene: TYK2 (tyrosine kinase 2; minus strand). Cytogenetic location: 19p13.2.
Variant type: single nucleotide variant.
Coding change: c.868C>T on transcript NM_003331.5 (MANE Select); coding-DNA position 868, C replaced by T.
Protein change: p.Pro290Ser; replaces proline 290 with serine.
Molecular consequence: missense variant.
Genome position (GRCh38, 1-based): chr19:10,365,660, G>A on the plus strand (C>T on the coding strand, the complement: TYK2 is on the minus strand). VCF-style: chr19-10365660-G-A. GRCh37 (hg19) VCF-style: chr19-10476336-G-A.
Other names: c.868C>T, p.Pro290Ser (NM_001385197.1, NM_001385198.1, NM_001385199.1 and 8 more transcripts); c.778C>T, p.Pro260Ser (NM_001385205.1); short protein forms P290S, P260S.
Identifiers: ClinVar variation 4734821 (VCV004734821.1).